The following is an entry in ClinVar:

ClinVar aggregate classification (germline): Conflicting classifications of pathogenicity. Review status: criteria provided, conflicting classifications (1 of 4 stars). 3 submissions from 3 submitters: Uncertain significance (2); Likely benign (1). Last evaluated 2026-10-23.

Conditions:
Muscular dystrophy-dystroglycanopathy (congenital with brain and eye anomalies), type A13. Also called: WALKER-WARBURG SYNDROME OR MUSCLE-EYE-BRAIN DISEASE, B3GNT1-RELATED; Muscular dystrophy-dystroglycanopathy (congenital with brain and eye anomalies), type a, 13. Identifiers: Orphanet 899, MedGen C3809042, MONDO:0014120, OMIM 615287.

Allele frequency attached by ClinVar (database versions not stated): gnomAD exomes 0.00018; gnomAD 0.00006 and 0.00007; TOPMed 0.00015; ExAC 0.00017; 1000 Genomes Project 0.00060; 1000 Genomes Project 30x 0.00094.

Submissions (3):

GeneDx
Classification: Uncertain significance. Last evaluated: 2026-10-23. Review status: criteria provided, single submitter. Criteria: GeneDx Variant Classification Process June 2021. Collection method: clinical testing. Allele origin: germline.
Comment: In silico analysis supports that this missense variant has a deleterious effect on protein structure/function; Reported in heterozygous state in an individual with isolated hypogonadotropic hypogonadism (PMID: 30098700); This variant is associated with the following publications: (PMID: 30098700)

Labcorp Genetics (formerly Invitae), Labcorp
Classification: Likely benign for Muscular dystrophy-dystroglycanopathy (congenital with brain and eye anomalies), type A13. Last evaluated: 2026-01-06. Review status: criteria provided, single submitter. Criteria: Invitae Variant Classification Sherloc (09022015). Collection method: clinical testing. Allele origin: germline.

Revvity Omics, Revvity
Classification: Uncertain significance for Muscular dystrophy-dystroglycanopathy (congenital with brain and eye anomalies), type A13. Last evaluated: 2025-01-08. Review status: criteria provided, single submitter. Criteria: ACMG Guidelines, 2015. Collection method: clinical testing. Allele origin: germline.

NM_006876.3(B4GAT1):c.355C>A (p.Pro119Thr)

Gene: B4GAT1 (beta-1,4-glucuronyltransferase 1; minus strand). Cytogenetic location: 11q13.2.
Variant type: single nucleotide variant.
Coding change: c.355C>A on transcript NM_006876.3 (MANE Select); coding-DNA position 355, C replaced by A.
Protein change: p.Pro119Thr; replaces proline 119 with threonine.
Molecular consequence: missense variant.
Genome position (GRCh38, 1-based): chr11:66,347,191, G>T on the plus strand (C>A on the coding strand, the complement: B4GAT1 is on the minus strand). VCF-style: chr11-66347191-G-T. GRCh37 (hg19) VCF-style: chr11-66114662-G-T.
Other names: short protein forms P119T.
Identifiers: ClinVar variation 581531 (VCV000581531.17), dbSNP rs201892419, ClinGen allele CA6120571.
Genomic context (GRCh38, chr11:66,347,191, plus strand): 5'-CCAGCACCGTGGCCAGCTGCGCCTCCTCCTTGGTGGCCGCGAACACCGACACGGACAGCG[G>T]GCCCTCCCAGCGCTCCAGCAGACCCGACAGGTGCAGCAGGTTGTCCACGCTGGCGTGCGT-3'
Protein context (NP_006867.1, residues 109-129): LSGLLERWEG[Pro119Thr]LSVSVFAATK